The following is an entry in ClinVar:

NM_177438.3(DICER1):c.3668A>T (p.Tyr1223Phe)

Gene: DICER1 (dicer 1, ribonuclease III; minus strand). Cytogenetic location: 14q32.13.
Variant type: single nucleotide variant.
Coding change: c.3668A>T on transcript NM_177438.3 (MANE Select); coding-DNA position 3668, A replaced by T.
Protein change: p.Tyr1223Phe; replaces tyrosine 1223 with phenylalanine.
Molecular consequence: missense variant. On other transcripts: non-coding transcript variant (6).
Genome position (GRCh38, 1-based): chr14:95,103,728, T>A on the plus strand (A>T on the coding strand, the complement: DICER1 is on the minus strand). VCF-style: chr14-95103728-T-A. GRCh37 (hg19) VCF-style: chr14-95570065-T-A.
Other names: c.3668A>T, p.Tyr1223Phe (NM_001195573.1, NM_001271282.3, NM_001291628.2 and 13 more transcripts); c.3386A>T, p.Tyr1129Phe (NM_001395686.1); c.3263A>T, p.Tyr1088Phe (NM_001395687.1, NM_001395688.1, NM_001395689.1 and 2 more transcripts); c.3101A>T, p.Tyr1034Phe (NM_001395691.1); c.1985A>T, p.Tyr662Phe (NM_001395697.1); short protein forms Y1129F, Y1223F, Y662F, Y1034F, Y1088F.
Identifiers: ClinVar variation 2844934 (VCV002844934.3), dbSNP rs1595365501, ClinGen allele CA390874445.

ClinVar aggregate classification (germline): Uncertain significance (1 of 4 stars; one submission).

Conditions:
DICER1-related tumor predisposition. Also called: DICER1-related pleuropulmonary blastoma cancer predisposition syndrome; DICER1 syndrome. Identifiers: Orphanet 284343, MedGen C3839822, MONDO:0100216.

Submission:

Labcorp Genetics (formerly Invitae), Labcorp
Classification: Uncertain significance for DICER1-related tumor predisposition. Last evaluated: 2024-04-10. Review status: criteria provided, single submitter. Criteria: Invitae Variant Classification Sherloc (09022015). Collection method: clinical testing. Allele origin: germline.
Comment: This sequence change replaces tyrosine, which is neutral and polar, with phenylalanine, which is neutral and non-polar, at codon 1223 of the DICER1 protein (p.Tyr1223Phe). This variant is not present in population databases (gnomAD no frequency). This variant has not been reported in the literature in individuals affected with DICER1-related conditions. Advanced modeling of protein sequence and biophysical properties (such as structural, functional, and spatial information, amino acid conservation, physicochemical variation, residue mobility, and thermodynamic stability) performed at Invitae indicates that this missense variant is not expected to disrupt DICER1 protein function with a negative predictive value of 80%. In summary, the available evidence is currently insufficient to determine the role of this variant in disease. Therefore, it has been classified as a Variant of Uncertain Significance.